The following is an entry in ClinVar:

NM_002633.3(PGM1):c.1028+55A>G

Gene: PGM1 (phosphoglucomutase 1; plus strand). Cytogenetic location: 1p31.3.
Variant type: single nucleotide variant.
Coding change: c.1028+55A>G on transcript NM_002633.3 (MANE Select); 55 bases into the intron after coding-DNA position 1028, A replaced by G.
Molecular consequence: intron variant.
Genome position (GRCh38, 1-based): chr1:63,636,443, A>G. VCF-style: chr1-63636443-A-G. GRCh37 (hg19) VCF-style: chr1-64102114-A-G.
Other names: c.437+55A>G (NM_001172819.2); c.1082+55A>G (NM_001172818.1).
Identifiers: ClinVar variation 676178 (VCV000676178.4), dbSNP rs2269248, ClinGen allele CA10674779.

ClinVar aggregate classification (germline): Benign. Review status: criteria provided, multiple submitters, no conflicts (2 of 4 stars). 3 submissions from 3 submitters: Benign (3). Last evaluated 2024-01-24.

Allele frequency attached by ClinVar (database versions not stated): gnomAD exomes 0.35271; gnomAD 0.44183 and 0.44408; TOPMed 0.45662; 1000 Genomes Project 0.49401; 1000 Genomes Project 30x 0.49828.
gnomAD v4.1: 559,022 of 1,542,012 alleles (36%); highest among the groups gnomAD compares: African/African-American, 64%; 107,426 homozygotes.

Submissions (3):

Unidad de Genómica Garrahan, Hospital de Pediatría Garrahan
Classification: Benign. Last evaluated: 2024-01-24. Review status: criteria provided, single submitter. Criteria: ACMG Guidelines, 2015. Collection method: clinical testing. Allele origin: germline. Affected: no. Observed: 63 variant alleles.
Comment: This variant is classified as Benign based on local population frequency. This variant was detected in 66% of patients studied by a panel of primary immunodeficiencies. Number of patients: 63. Only high quality variants are reported.

GeneDx
Classification: Benign. Last evaluated: 2018-06-14. Review status: criteria provided, single submitter. Criteria: GeneDx Variant Classification (06012015). Collection method: clinical testing. Allele origin: germline. Affected: yes.
Comment: This variant is considered likely benign or benign based on one or more of the following criteria: it is a conservative change, it occurs at a poorly conserved position in the protein, it is predicted to be benign by multiple in silico algorithms, and/or has population frequency not consistent with disease.

Breakthrough Genomics
Classification: Benign. Review status: criteria provided, single submitter. Criteria: ACMG Guidelines, 2015. Collection method: not provided. Allele origin: germline. Inheritance: Autosomal recessive inheritance. Affected: yes.